The following is an entry in ClinVar:

NM_001349798.2(FBXW7):c.1965A>G (p.Glu655=)

Gene: FBXW7 (F-box and WD repeat domain containing 7; minus strand). Cytogenetic location: 4q31.3.
Variant type: single nucleotide variant.
Coding change: c.1965A>G on transcript NM_001349798.2 (MANE Select); coding-DNA position 1965, A replaced by G.
Protein change: p.Glu655=; no amino-acid change (glutamic acid 655 retained).
Molecular consequence: synonymous variant.
Genome position (GRCh38, 1-based): chr4:152,323,040, T>C on the plus strand (A>G on the coding strand, the complement: FBXW7 is on the minus strand). VCF-style: chr4-152323040-T-C. GRCh37 (hg19) VCF-style: chr4-153244192-T-C.
Other names: c.1611A>G, p.Glu537= (NM_001013415.2); c.1725A>G, p.Glu575= (NM_018315.5); c.1965A>G, p.Glu655= (NM_033632.3).
Identifiers: ClinVar variation 3370229 (VCV003370229.1).

ClinVar aggregate classification (germline): Uncertain significance (1 of 4 stars; one submission).

Submission:

GeneDx
Classification: Uncertain significance. Last evaluated: 2023-12-21. Review status: criteria provided, single submitter. Criteria: GeneDx Variant Classification Process June 2021. Collection method: clinical testing. Allele origin: germline. Affected: yes.
Comment: Not observed at significant frequency in large population cohorts (gnomAD); In silico analysis supports a deleterious effect on splicing; Has not been previously published as pathogenic or benign to our knowledge.